The following is an entry in ClinVar:

NM_014846.4(WASHC5):c.2972T>C (p.Ile991Thr)

Gene: WASHC5 (WASH complex subunit 5; minus strand). Cytogenetic location: 8q24.13.
Variant type: single nucleotide variant.
Coding change: c.2972T>C on transcript NM_014846.4 (MANE Select); coding-DNA position 2972, T replaced by C.
Protein change: p.Ile991Thr; replaces isoleucine 991 with threonine.
Molecular consequence: missense variant.
Genome position (GRCh38, 1-based): chr8:125,038,942, A>G on the plus strand (T>C on the coding strand, the complement: WASHC5 is on the minus strand). VCF-style: chr8-125038942-A-G. GRCh37 (hg19) VCF-style: chr8-126051184-A-G.
Other names: c.2528T>C, p.Ile843Thr (NM_001330609.2); short protein forms I991T, I843T.
Identifiers: ClinVar variation 410080 (VCV000410080.20), dbSNP rs142883794, ClinGen allele CA4873357.

ClinVar aggregate classification (germline): Uncertain significance. Review status: criteria provided, multiple submitters, no conflicts (2 of 4 stars). 5 submissions from 5 submitters: Uncertain significance (5). Last evaluated 2026-06-25.

Conditions:
WASHC5-related disorder. Also called: WASHC5-related condition.
Ritscher-Schinzel syndrome. Also called: CRANIOCEREBELLOCARDIAC DYSPLASIA. Identifiers: Orphanet 7, MedGen C0796137, MONDO:0019078.
Hereditary spastic paraplegia 8 (SPG8). Also called: SPASTIC PARAPLEGIA 8, AUTOSOMAL DOMINANT. Identifiers: Orphanet 100989, MedGen C1863704, MONDO:0011339, OMIM 603563.
Hereditary spastic paraplegia. Also called: Familial spastic paraparesis. Identifiers: Orphanet 685, MedGen C0037773, MONDO:0019064. Disease mechanism: loss of function.

Allele frequency attached by ClinVar (database versions not stated): gnomAD exomes 0.00004 and 0.00006; TOPMed 0.00005; gnomAD 0.00006; ExAC 0.00007; ESP Exome Variant Server 0.00031.
gnomAD v4.1: 65 of 1,613,836 alleles (0.004%); highest among the groups gnomAD compares: Non-Finnish European, 0.0048%; no homozygotes.

Submissions (5):

Women's Health and Genetics/Laboratory Corporation of America, LabCorp
Classification: Uncertain significance. Last evaluated: 2026-06-25. Review status: criteria provided, single submitter. Criteria: LabCorp Variant Classification Summary - May 2015. Collection method: clinical testing. Allele origin: germline.
Comment: Variant summary: WASHC5 c.2972T>C (p.Ile991Thr) results in a non-conservative amino acid change in the encoded protein sequence. Algorithms developed to predict the effect of missense changes on protein structure and function all suggest that this variant is likely to be disruptive. The variant allele was found at a frequency of 6.4e-05 in 251230 control chromosomes. This frequency is not significantly higher than estimated for disease-causing variants in WASHC5, allowing no conclusion about variant significance. To our knowledge, no occurrence of c.2972T>C in individuals affected with WASHC5-related conditions and no experimental evidence demonstrating its impact on protein function have been reported. ClinVar contains an entry for this variant (Variation ID: 410080). Based on the evidence outlined above, the variant was classified as uncertain significance.

PreventionGenetics, part of Exact Sciences
Classification: Uncertain significance for WASHC5-related condition. Last evaluated: 2026-04-28. Review status: criteria provided, single submitter. Criteria: ACMG Guidelines, 2015. Collection method: clinical testing. Allele origin: germline.
Comment: The WASHC5 c.2972T>C variant is predicted to result in the amino acid substitution p.Ile991Thr. To our knowledge, this variant has not been reported in the literature. This variant is reported in 0.012% of alleles in individuals of European (Non-Finnish) descent in gnomAD. At this time, the clinical significance of this variant is uncertain due to the absence of conclusive functional and genetic evidence.

Labcorp Genetics (formerly Invitae), Labcorp
Classification: Uncertain significance for Ritscher-Schinzel syndrome; Hereditary spastic paraplegia 8. Last evaluated: 2024-06-29. Review status: criteria provided, single submitter. Criteria: Invitae Variant Classification Sherloc (09022015). Collection method: clinical testing. Allele origin: germline.
Comment: This sequence change replaces isoleucine, which is neutral and non-polar, with threonine, which is neutral and polar, at codon 991 of the WASHC5 protein (p.Ile991Thr). This variant is present in population databases (rs142883794, gnomAD 0.01%). This variant has not been reported in the literature in individuals affected with WASHC5-related conditions. ClinVar contains an entry for this variant (Variation ID: 410080). Advanced modeling of protein sequence and biophysical properties (such as structural, functional, and spatial information, amino acid conservation, physicochemical variation, residue mobility, and thermodynamic stability) performed at Invitae indicates that this missense variant is not expected to disrupt WASHC5 protein function with a negative predictive value of 80%. In summary, the available evidence is currently insufficient to determine the role of this variant in disease. Therefore, it has been classified as a Variant of Uncertain Significance.

Mayo Clinic Laboratories, Mayo Clinic
Classification: Uncertain significance. Last evaluated: 2019-06-23. Review status: criteria provided, single submitter. Criteria: ACMG Guidelines, 2015. Collection method: clinical testing. Allele origin: germline. Observed: 1 variant allele.

Genome Diagnostics Laboratory, The Hospital for Sick Children
Classification: Uncertain significance for Hereditary spastic paraplegia. Last evaluated: 2017-06-23. Review status: criteria provided, single submitter. Criteria: ACMG Guidelines, 2015. Collection method: clinical testing. Allele origin: germline. Affected: yes.